The following is an entry in ClinVar:

NM_001436401.1(NOBOX):c.794G>A (p.Ser265Asn)

Gene: NOBOX (NOBOX oogenesis homeobox; minus strand). Cytogenetic location: 7q35.
Variant type: single nucleotide variant.
Coding change: c.794G>A on transcript NM_001436401.1 (MANE Select); coding-DNA position 794, G replaced by A.
Protein change: p.Ser265Asn; replaces serine 265 with asparagine.
Molecular consequence: missense variant.
Genome position (GRCh38, 1-based): chr7:144,399,766, C>T on the plus strand (G>A on the coding strand, the complement: NOBOX is on the minus strand). VCF-style: chr7-144399766-C-T. GRCh37 (hg19) VCF-style: chr7-144096859-C-T.
Other names: NM_001080413.3:c.1145G>A; c.242G>A, p.Ser81Asn (NM_001436402.1); short protein forms S265N, S81N.
Identifiers: ClinVar variation 4076555 (VCV004076555.1).

ClinVar aggregate classification (germline): Uncertain significance (1 of 4 stars; one submission).

Submission:

GeneDx
Classification: Uncertain significance. Last evaluated: 2025-02-25. Review status: criteria provided, single submitter. Criteria: GeneDx Variant Classification Process June 2021. Collection method: clinical testing. Allele origin: germline. Affected: yes.
Comment: Not observed at significant frequency in large population cohorts (gnomAD); In silico analysis indicates that this missense variant does not alter protein structure/function; Has not been previously published as pathogenic or benign to our knowledge